The following is an entry in ClinVar:

NM_001005373.4(LRSAM1):c.-316C>T

Genes: LRSAM1 (leucine rich repeat and sterile alpha motif containing 1; plus strand), LOC130002648 (ATAC-STARR-seq lymphoblastoid active region 29041; plus strand). Cytogenetic location: 9q33.3.
Variant type: single nucleotide variant.
Coding change: c.-316C>T on transcript NM_001005373.4 (MANE Select); 316 bases upstream of the start codon, C replaced by T.
Molecular consequence: 5 prime UTR variant. On other transcripts: non-coding transcript variant (2).
Genome position (GRCh38, 1-based): chr9:127,451,542, C>T. VCF-style: chr9-127451542-C-T. GRCh37 (hg19) VCF-style: chr9-130213821-C-T.
Other names: NC_000009.11:g.130213821C>T; c.-316C>T (NM_001190723.3, NM_001384143.1); c.-1333C>T (NM_001384142.1); c.-1100C>T (NM_001384144.1); c.-575C>T (NM_138361.5).
Identifiers: ClinVar variation 365002 (VCV000365002.7), dbSNP rs116498902, ClinGen allele CA10632571.

ClinVar aggregate classification (germline): Benign/Likely benign. Review status: criteria provided, multiple submitters, no conflicts (2 of 4 stars). 2 submissions from 2 submitters: Benign (1); Likely benign (1). Last evaluated 2021-05-13.

Conditions:
Charcot-Marie-Tooth disease axonal type 2P. Also called: Charcot-Marie-Tooth Neuropathy Type 2G; CHARCOT-MARIE-TOOTH DISEASE, AXONAL, TYPE 2G; CMT 2G; CHARCOT-MARIE-TOOTH NEUROPATHY, TYPE 2P. Identifiers: Orphanet 300319, Orphanet 99941, MedGen C3280797, MONDO:0013753, OMIM 614436.

Allele frequency attached by ClinVar (database versions not stated): gnomAD exomes 0.00161; gnomAD 0.01437 and 0.01548; 1000 Genomes Project 0.01558; TOPMed 0.01581; 1000 Genomes Project 30x 0.01671.

Submissions (4):

GeneDx
Classification: Likely benign. Last evaluated: 2021-05-13. Review status: criteria provided, single submitter. Criteria: GeneDx Variant Classification Process June 2021. Collection method: clinical testing. Allele origin: germline. Affected: yes.

Illumina Laboratory Services, Illumina
Classification: Benign for Charcot-Marie-Tooth disease axonal type 2P. Last evaluated: 2018-01-13. Review status: criteria provided, single submitter. Criteria: ICSL Variant Classification Criteria 13 December 2019. Collection method: clinical testing. Allele origin: germline.
Comment: This variant was observed in the ICSL laboratory as part of a predisposition screen in an ostensibly healthy population. It had not been previously curated by ICSL or reported in the Human Gene Mutation Database (HGMD: prior to June 1st, 2018), and was therefore a candidate for classification through an automated scoring system. Utilizing variant allele frequency, disease prevalence and penetrance estimates, and inheritance mode, an automated score was calculated to assess if this variant is too frequent to cause the disease. Based on the score and internal cut-off values, a variant classified as benign is not then subjected to further curation. The score for this variant resulted in a classification of benign for this disease.

Dr. Peter K. Rogan Lab, Western University
No classification provided (evidence only). Condition: Uterine corpus endometrial carcinoma. Review status: no classification provided. Collection method: in vitro. Allele origin: not applicable. Functional consequence: retained intron. Not counted in ClinVar's aggregate classification.

Dr. Peter K. Rogan Lab, Western University
No classification provided (evidence only). Condition: Malignant tumor of esophagus. Review status: no classification provided. Collection method: in vitro. Allele origin: not applicable. Functional consequence: retained intron. Not counted in ClinVar's aggregate classification.